The following is an entry in ClinVar:

NM_001366385.1(CARD14):c.2008G>A (p.Ala670Thr)

Genes: CARD14 (caspase recruitment domain family member 14; plus strand), SGSH (N-sulfoglucosamine sulfohydrolase; minus strand). Cytogenetic location: 17q25.3.
Variant type: single nucleotide variant.
Coding change: c.2008G>A on transcript NM_001366385.1 (MANE Select); coding-DNA position 2008, G replaced by A.
Protein change: p.Ala670Thr; replaces alanine 670 with threonine.
Molecular consequence: missense variant. On other transcripts: non-coding transcript variant (1).
Genome position (GRCh38, 1-based): chr17:80,202,209, G>A. VCF-style: chr17-80202209-G-A. GRCh37 (hg19) VCF-style: chr17-78176008-G-A.
Other names: c.2008G>A, p.Ala670Thr (NM_001257970.1, NM_024110.4); short protein forms A670T.
Identifiers: ClinVar variation 3751885 (VCV003751885.3).

ClinVar aggregate classification (germline): Uncertain significance. Review status: criteria provided, multiple submitters, no conflicts (2 of 4 stars). 2 submissions from 2 submitters: Uncertain significance (2). Last evaluated 2026-01-22.

Conditions:
Pityriasis rubra pilaris (PRP). Also called: Pityriasis rubra pilaris--familial type. Identifiers: Orphanet 2897, MedGen C0032027, MONDO:0100017, OMIM 173200, MONDO:0008251.
Psoriasis 2. Identifiers: MedGen C1864497, MONDO:0011269, OMIM 602723.

gnomAD v4.1: 1 of 1,613,828 alleles (0.000062%); highest among the groups gnomAD compares: Non-Finnish European, 0.000085%; no homozygotes.

Submissions (2):

Women's Health and Genetics/Laboratory Corporation of America, LabCorp
Classification: Uncertain significance. Last evaluated: 2026-01-22. Review status: criteria provided, single submitter. Criteria: LabCorp Variant Classification Summary - May 2015. Collection method: clinical testing. Allele origin: germline.

Labcorp Genetics (formerly Invitae), Labcorp
Classification: Uncertain significance for Pityriasis rubra pilaris; Psoriasis 2. Last evaluated: 2024-11-11. Review status: criteria provided, single submitter. Criteria: Invitae Variant Classification Sherloc (09022015). Collection method: clinical testing. Allele origin: germline.
Comment: This sequence change replaces alanine, which is neutral and non-polar, with threonine, which is neutral and polar, at codon 670 of the CARD14 protein (p.Ala670Thr). This variant is present in population databases (no rsID available, gnomAD 0.007%). This variant has not been reported in the literature in individuals affected with CARD14-related conditions. Invitae Evidence Modeling of protein sequence and biophysical properties (such as structural, functional, and spatial information, amino acid conservation, physicochemical variation, residue mobility, and thermodynamic stability) indicates that this missense variant is not expected to disrupt CARD14 protein function with a negative predictive value of 95%. In summary, the available evidence is currently insufficient to determine the role of this variant in disease. Therefore, it has been classified as a Variant of Uncertain Significance.